The following is an entry in ClinVar:

ClinVar aggregate classification (germline): Uncertain significance (1 of 4 stars; one submission).

Submission:

Labcorp Genetics (formerly Invitae), Labcorp
Classification: Uncertain significance. Last evaluated: 2022-03-11. Review status: criteria provided, single submitter. Criteria: Invitae Variant Classification Sherloc (09022015). Collection method: clinical testing. Allele origin: germline.
Comment: This sequence change replaces isoleucine, which is neutral and non-polar, with asparagine, which is neutral and polar, at codon 612 of the CDH23 protein (p.Ile612Asn). This variant is not present in population databases (gnomAD no frequency). This variant has not been reported in the literature in individuals affected with CDH23-related conditions. Algorithms developed to predict the effect of missense changes on protein structure and function are either unavailable or do not agree on the potential impact of this missense change (SIFT: "Deleterious"; PolyPhen-2: "Not Available"; Align-GVGD: "Class C65"). In summary, the available evidence is currently insufficient to determine the role of this variant in disease. Therefore, it has been classified as a Variant of Uncertain Significance.

NM_022124.6(CDH23):c.1835T>A (p.Ile612Asn)

Gene: CDH23 (cadherin related 23; plus strand). Cytogenetic location: 10q22.1.
Variant type: single nucleotide variant.
Coding change: c.1835T>A on transcript NM_022124.6 (MANE Select); coding-DNA position 1835, T replaced by A.
Protein change: p.Ile612Asn; replaces isoleucine 612 with asparagine.
Molecular consequence: missense variant.
Genome position (GRCh38, 1-based): chr10:71,679,469, T>A. VCF-style: chr10-71679469-T-A. GRCh37 (hg19) VCF-style: chr10-73439226-T-A.
Other names: c.1835T>A, p.Ile612Asn (NM_001171930.2, NM_001171931.2); short protein forms I612N.
Identifiers: ClinVar variation 1961001 (VCV001961001.2), dbSNP rs2493947742, ClinGen allele CA377131138.
Genomic context (GRCh38, chr10:71,679,469, plus strand): 5'-CCAACAACCAGATCACCTACAGCATTGTCAGTGCATCTGCCTTTGGCAGCTACTTCGACA[T>A]CAGCCTGTACGAGGGCTATGGAGGTAGGTGTGGGGCAGAACTCGGGGCCCAGCCAGGAGG-3'
Protein context (NP_071407.4, residues 602-622): SASAFGSYFD[Ile612Asn]SLYEGYGVIS